The following is an entry in ClinVar:

ClinVar aggregate classification (germline): Uncertain significance (1 of 4 stars; one submission).

Conditions:
Progressive familial heart block type IB (PFHB1B). Identifiers: Orphanet 871, MedGen C1970298, MONDO:0011474, OMIM 604559.

Submission:

Labcorp Genetics (formerly Invitae), Labcorp
Classification: Uncertain significance for Progressive familial heart block type IB. Last evaluated: 2022-05-10. Review status: criteria provided, single submitter. Criteria: Invitae Variant Classification Sherloc (09022015). Collection method: clinical testing. Allele origin: germline.
Comment: In summary, the available evidence is currently insufficient to determine the role of this variant in disease. Therefore, it has been classified as a Variant of Uncertain Significance. Variants that disrupt the consensus splice site are a relatively common cause of aberrant splicing (PMID: 17576681, 9536098). Algorithms developed to predict the effect of sequence changes on RNA splicing suggest that this variant may disrupt the consensus splice site. This variant has not been reported in the literature in individuals affected with TRPM4-related conditions. This variant is not present in population databases (gnomAD no frequency). This sequence change falls in intron 8 of the TRPM4 gene. It does not directly change the encoded amino acid sequence of the TRPM4 protein. It affects a nucleotide within the consensus splice site.

Literature cited by the submitters: PubMed 17576681; PubMed 9536098.

NM_017636.4(TRPM4):c.1051-3C>T

Gene: TRPM4 (transient receptor potential cation channel subfamily M member 4; plus strand). Cytogenetic location: 19q13.33.
Variant type: single nucleotide variant.
Coding change: c.1051-3C>T on transcript NM_017636.4 (MANE Select); 3 bases into the intron before coding-DNA position 1051, C replaced by T.
Molecular consequence: intron variant.
Genome position (GRCh38, 1-based): chr19:49,172,006, C>T. VCF-style: chr19-49172006-C-T. GRCh37 (hg19) VCF-style: chr19-49675263-C-T.
Other names: c.1051-3C>T (NM_001195227.2); c.-503-3C>T (NM_001321282.2); c.706-3C>T (NM_001321281.2); c.529-3C>T (NM_001321283.2); c.201+237C>T (NM_001321285.2).
Identifiers: ClinVar variation 1992302 (VCV001992302.4), dbSNP rs2514073495, ClinGen allele CA2580097536.